The following is an entry in ClinVar:

NM_002335.4(LRP5):c.4376G>A (p.Ser1459Asn)

Gene: LRP5 (LDL receptor related protein 5; plus strand). Cytogenetic location: 11q13.2.
Variant type: single nucleotide variant.
Coding change: c.4376G>A on transcript NM_002335.4 (MANE Select); coding-DNA position 4376, G replaced by A.
Protein change: p.Ser1459Asn; replaces serine 1459 with asparagine.
Molecular consequence: missense variant.
Genome position (GRCh38, 1-based): chr11:68,439,804, G>A. VCF-style: chr11-68439804-G-A. GRCh37 (hg19) VCF-style: chr11-68207272-G-A.
Other names: c.2633G>A, p.Ser878Asn (NM_001291902.2); short protein forms S1459N, S878N.
Identifiers: ClinVar variation 1449088 (VCV001449088.8), dbSNP rs1341992748, ClinGen allele CA381616016.

ClinVar aggregate classification (germline): Uncertain significance (1 of 4 stars; one submission).

Allele frequency attached by ClinVar (database versions not stated): TOPMed below 0.00001; gnomAD 0.00001.
gnomAD v4.1: 2 of 1,611,720 alleles (0.00012%); highest among the groups gnomAD compares: Non-Finnish European, 0.00017%; no homozygotes.

Submission:

Labcorp Genetics (formerly Invitae), Labcorp
Classification: Uncertain significance. Last evaluated: 2021-07-09. Review status: criteria provided, single submitter. Criteria: Invitae Variant Classification Sherloc (09022015). Collection method: clinical testing. Allele origin: germline.
Comment: This sequence change replaces serine with asparagine at codon 1459 of the LRP5 protein (p.Ser1459Asn). The serine residue is moderately conserved and there is a small physicochemical difference between serine and asparagine. This variant is not present in population databases (ExAC no frequency). This variant has not been reported in the literature in individuals affected with LRP5-related conditions. Advanced modeling of protein sequence and biophysical properties (such as structural, functional, and spatial information, amino acid conservation, physicochemical variation, residue mobility, and thermodynamic stability) performed at Invitae indicates that this missense variant is not expected to disrupt LRP5 protein function. In summary, the available evidence is currently insufficient to determine the role of this variant in disease. Therefore, it has been classified as a Variant of Uncertain Significance.